The following is an entry in ClinVar:

ClinVar aggregate classification (germline): Uncertain significance (1 of 4 stars; one submission).

Allele frequency attached by ClinVar (database versions not stated): gnomAD exomes 0.00001; TOPMed 0.00002; gnomAD 0.00004; ESP Exome Variant Server 0.00008; ExAC 0.00010.
gnomAD v4.1: 20 of 1,581,764 alleles (0.0013%); highest among the groups gnomAD compares: Admixed American, 0.0087%; no homozygotes.

Submission:

Labcorp Genetics (formerly Invitae), Labcorp
Classification: Uncertain significance. Last evaluated: 2023-06-28. Review status: criteria provided, single submitter. Criteria: Invitae Variant Classification Sherloc (09022015). Collection method: clinical testing. Allele origin: germline.
Comment: The frequency data for this variant in the population databases is considered unreliable, as metrics indicate poor data quality at this position in the gnomAD database. In summary, the available evidence is currently insufficient to determine the role of this variant in disease. Therefore, it has been classified as a Variant of Uncertain Significance. An algorithm developed to predict the effect of missense changes on protein structure and function (PolyPhen-2) suggests that this variant is likely to be disruptive. ClinVar contains an entry for this variant (Variation ID: 1429552). This variant has not been reported in the literature in individuals affected with DGKZ-related conditions. This sequence change replaces arginine, which is basic and polar, with glutamine, which is neutral and polar, at codon 816 of the DGKZ protein (p.Arg816Gln).

NM_001199267.2(DGKZ):c.1880G>A (p.Arg627Gln)

Gene: DGKZ (diacylglycerol kinase zeta; plus strand). Cytogenetic location: 11p11.2.
Variant type: single nucleotide variant.
Coding change: c.1880G>A on transcript NM_001199267.2 (MANE Select); coding-DNA position 1880, G replaced by A.
Protein change: p.Arg627Gln; replaces arginine 627 with glutamine.
Molecular consequence: missense variant.
Genome position (GRCh38, 1-based): chr11:46,375,604, G>A. VCF-style: chr11-46375604-G-A. GRCh37 (hg19) VCF-style: chr11-46397154-G-A.
Other names: c.2447G>A, p.Arg816Gln (NM_001105540.2); c.1883G>A, p.Arg628Gln (NM_001199266.2, NM_003646.4); c.1814G>A, p.Arg605Gln (NM_001199268.2); c.1931G>A, p.Arg644Gln (NM_201532.3); c.1895G>A, p.Arg632Gln (NM_201533.3); short protein forms R628Q, R627Q, R816Q, R644Q, R605Q, R632Q.
Identifiers: ClinVar variation 1429552 (VCV001429552.7), dbSNP rs372479915, ClinGen allele CA5962979.